The following is an entry in ClinVar:

NM_001375905.1(SGMS2):c.271G>T (p.Val91Phe)

Genes: CYP2U1-AS1 (CYP2U1 and SGMS2 antisense RNA 1; minus strand), SGMS2 (sphingomyelin synthase 2; plus strand). Cytogenetic location: 4q25.
Variant type: single nucleotide variant.
Coding change: c.271G>T on transcript NM_001375905.1 (MANE Select); coding-DNA position 271, G replaced by T.
Protein change: p.Val91Phe; replaces valine 91 with phenylalanine.
Molecular consequence: missense variant. On other transcripts: intron variant (1).
Genome position (GRCh38, 1-based): chr4:107,895,824, G>T. VCF-style: chr4-107895824-G-T. GRCh37 (hg19) VCF-style: chr4-108816980-G-T.
Other names: c.271G>T, p.Val91Phe (NM_001136257.2, NM_001136258.2, NM_001375906.1 and 4 more transcripts); c.-64-3751G>T (NM_001375911.1); short protein forms V91F.
Identifiers: ClinVar variation 2633304 (VCV002633304.1), dbSNP rs147662224, ClinGen allele CA3036744.

ClinVar aggregate classification (germline): Uncertain significance (1 of 4 stars; one submission).

Conditions:
SGMS2-related disorder. Also called: SGMS2-related condition.

Allele frequency attached by ClinVar (database versions not stated): ESP Exome Variant Server 0.00008.
gnomAD v4.1: 7 of 1,613,802 alleles (0.00043%); highest among the groups gnomAD compares: African/African-American, 0.0053%; no homozygotes.

Submission:

PreventionGenetics, part of Exact Sciences
Classification: Uncertain significance for SGMS2-related condition. Last evaluated: 2023-04-26. Review status: criteria provided, single submitter. Criteria: ACMG Guidelines, 2015. Collection method: clinical testing. Allele origin: germline.
Comment: The SGMS2 c.271G>T variant is predicted to result in the amino acid substitution p.Val91Phe. To our knowledge, this variant has not been reported in the literature. This variant is reported in 0.0057% of alleles in individuals of Latino descent in gnomAD. At this time, the clinical significance of this variant is uncertain due to the absence of conclusive functional and genetic evidence.